The following is an entry in ClinVar:

ClinVar aggregate classification (germline): Uncertain significance (1 of 4 stars; one submission).

Conditions:
Hereditary cancer-predisposing syndrome. Also called: Neoplastic Syndromes, Hereditary; Tumor predisposition; Hereditary Cancer Syndrome; Hereditary neoplastic syndrome. Identifiers: Orphanet 140162, MedGen C0027672, MeSH D009386, MONDO:0015356.

Submission:

Ambry Genetics
Classification: Uncertain significance for Hereditary cancer-predisposing syndrome. Last evaluated: 2025-06-18. Review status: criteria provided, single submitter. Criteria: Ambry Variant Classification Scheme 2023. Collection method: clinical testing. Allele origin: germline.
Comment: The p.H198P variant (also known as c.593A>C), located in coding exon 5 of the SDHA gene, results from an A to C substitution at nucleotide position 593. The histidine at codon 198 is replaced by proline, an amino acid with similar properties. This amino acid position is highly conserved in available vertebrate species. In addition, this alteration is predicted to be deleterious by in silico analysis. Based on the available evidence, the clinical significance of this variant remains unclear.

NM_004168.4(SDHA):c.593A>C (p.His198Pro)

Gene: SDHA (succinate dehydrogenase complex flavoprotein subunit A; plus strand). Cytogenetic location: 5p15.33.
Variant type: single nucleotide variant.
Coding change: c.593A>C on transcript NM_004168.4 (MANE Select); coding-DNA position 593, A replaced by C.
Protein change: p.His198Pro; replaces histidine 198 with proline.
Molecular consequence: missense variant.
Genome position (GRCh38, 1-based): chr5:226,019, A>C. VCF-style: chr5-226019-A-C. GRCh37 (hg19) VCF-style: chr5-226134-A-C.
Other names: c.449A>C, p.His150Pro (NM_001294332.2); c.593A>C, p.His198Pro (NM_001330758.2); short protein forms H198P, H150P.
Identifiers: ClinVar variation 4161177 (VCV004161177.1).